The following is an entry in ClinVar:

ClinVar aggregate classification (germline): Benign (1 of 4 stars; one submission).

Allele frequency attached by ClinVar (database versions not stated): 1000 Genomes Project 0.00020; 1000 Genomes Project 30x 0.00031; gnomAD 0.00038; TOPMed 0.00047; gnomAD exomes 0.00069.
gnomAD v4.1: 504 of 795,062 alleles (0.063%); highest among the groups gnomAD compares: Admixed American, 0.12%; 3 homozygotes.

Submission:

CeGaT Center for Human Genetics Tuebingen
Classification: Benign. Last evaluated: 2022-10-01. Review status: criteria provided, single submitter. Criteria: CeGaT Center For Human Genetics Tuebingen Variant Classification Criteria Version 2. Collection method: clinical testing. Allele origin: germline. Affected: yes. Observed: 1 variant allele.
Comment: DEPDC5: BS1, BS2

NM_001242896.3(DEPDC5):c.2354+138A>G

Gene: DEPDC5 (DEP domain containing 5, GATOR1 subcomplex subunit; plus strand). Cytogenetic location: 22q12.3.
Variant type: single nucleotide variant.
Coding change: c.2354+138A>G on transcript NM_001242896.3 (MANE Select); 138 bases into the intron after coding-DNA position 2354, A replaced by G.
Molecular consequence: intron variant.
Genome position (GRCh38, 1-based): chr22:31,837,293, A>G. VCF-style: chr22-31837293-A-G. GRCh37 (hg19) VCF-style: chr22-32233279-A-G.
Other names: c.2354+138A>G (NM_001364318.2, NM_001363852.2, NM_001364320.2); c.2327+138A>G (NM_001136029.4, NM_014662.6, NM_001369903.1); c.2120+138A>G (NM_001363854.2, NM_001242897.2, NM_001364319.2); c.2270+138A>G (NM_001369902.1, NM_001369901.1).
Identifiers: ClinVar variation 1879553 (VCV001879553.29), dbSNP rs562912097, ClinGen allele CA323333761.